The following is an entry in ClinVar:

NM_004006.3(DMD):c.446G>C (p.Arg149Pro)

Gene: DMD (dystrophin; minus strand). Cytogenetic location: Xp21.1.
Variant type: single nucleotide variant.
Coding change: c.446G>C on transcript NM_004006.3 (MANE Select); coding-DNA position 446, G replaced by C.
Protein change: p.Arg149Pro; replaces arginine 149 with proline.
Molecular consequence: missense variant.
Genome position (GRCh38, 1-based): chrX:32,816,552, C>G on the plus strand (G>C on the coding strand, the complement: DMD is on the minus strand). VCF-style: chrX-32816552-C-G. GRCh37 (hg19) VCF-style: chrX-32834669-C-G.
Other names: c.422G>C, p.Arg141Pro (NM_000109.4); c.434G>C, p.Arg145Pro (NM_004009.3); c.77G>C, p.Arg26Pro (NM_004010.3); short protein forms R141P, R145P, R149P, R26P.
Identifiers: ClinVar variation 1060039 (VCV001060039.10), dbSNP rs771307588, ClinGen allele CA412674203.

ClinVar aggregate classification (germline): Uncertain significance. Review status: criteria provided, single submitter (1 of 4 stars). 2 submissions from 2 submitters: Uncertain significance (1). 1 of the submissions does not count toward it. Last evaluated 2020-10-01.

Conditions:
Cardiomyopathy (CMYO). Also called: Cardiomyopathies. Identifiers: Orphanet 167848, MedGen C0878544, MONDO:0004994, HP:0001638. Inheritance: Various modes of inheritance.
Dystrophin deficiency.
Duchenne muscular dystrophy (DMD). Also called: MUSCULAR DYSTROPHY, PSEUDOHYPERTROPHIC PROGRESSIVE, DUCHENNE TYPE; Duchenne Muscular Dystrophy (DMD). Identifiers: Orphanet 98896, MedGen C0013264, MONDO:0010679, OMIM 310200.
Becker muscular dystrophy (BMD). Also called: Becker Muscular Dystrophy (BMD); MUSCULAR DYSTROPHY, PSEUDOHYPERTROPHIC PROGRESSIVE, BECKER TYPE. Identifiers: Orphanet 98895, MedGen C0917713, MONDO:0010311, OMIM 300376.

Submissions (2):

Labcorp Genetics (formerly Invitae), Labcorp
Classification: Uncertain significance for Duchenne muscular dystrophy. Last evaluated: 2020-10-01. Review status: criteria provided, single submitter. Criteria: Invitae Variant Classification Sherloc (09022015). Collection method: clinical testing. Allele origin: germline.
Comment: In summary, the available evidence is currently insufficient to determine the role of this variant in disease. Therefore, it has been classified as a Variant of Uncertain Significance. Algorithms developed to predict the effect of missense changes on protein structure and function are either unavailable or do not agree on the potential impact of this missense change (SIFT: "Deleterious"; PolyPhen-2: "Possibly Damaging"; Align-GVGD: "Class C15"). This variant has not been reported in the literature in individuals with DMD-related conditions. This variant is not present in population databases (ExAC no frequency). This sequence change replaces arginine with proline at codon 149 of the DMD protein (p.Arg149Pro). The arginine residue is highly conserved and there is a moderate physicochemical difference between arginine and proline.

Natera, Inc.
Classification: Uncertain significance for Becker muscular dystrophy; Cardiomyopathy; Duchenne muscular dystrophy; Dystrophin deficiency. Last evaluated: 2021-07-04. Review status: no assertion criteria provided. Collection method: clinical testing. Allele origin: germline. Not counted in ClinVar's aggregate classification.